The following is an entry in ClinVar:

ClinVar aggregate classification (germline): Pathogenic/Likely pathogenic. Review status: criteria provided, multiple submitters, no conflicts (2 of 4 stars). 5 submissions from 5 submitters: Pathogenic (2); Likely pathogenic (2). 1 of the submissions does not count toward it. Last evaluated 2025-10-07.

Conditions:
Phenylketonuria (PKU). Also called: OLIGOPHRENIA PHENYLPYRUVICA; Phenylketonurias; FOLLING DISEASE; Phenylketonuria (PKU). Identifiers: Orphanet 716, MedGen C0031485, MONDO:0009861, OMIM 261600. Disease mechanism: loss of function.

Allele frequency attached by ClinVar (database versions not stated): gnomAD exomes below 0.00001.
gnomAD v4.1: 1 of 1,613,416 alleles (0.000062%); no homozygotes.

Submissions (5):

Natera, Inc.
Classification: Pathogenic for Phenylketonuria. Last evaluated: 2025-10-07. Review status: criteria provided, single submitter. Criteria: Natera Variant Classification Schema (03/2026). Collection method: clinical testing. Allele origin: germline.
Comment: The c.992T>C variant in PAH is a missense variant predicted to cause substitution of phenylalanine to serine at amino acid 331. This variant is rare in the general population with a frequency below the threshold expected for the associated phenotype(s). This variant has been observed in one or more individuals affected with the associated recessive disease, as either homozygous or compound heterozygous with a second variant (PMID: 32668217). This variant is located in a functionally critical region of the protein. Computational prediction algorithms indicate this variant is likely to affect gene or protein function. Given the available evidence, this variant is classified as Pathogenic.

Baylor Genetics
Classification: Likely pathogenic for Phenylketonuria. Last evaluated: 2024-01-01. Review status: criteria provided, single submitter. Criteria: ACMG Guidelines, 2015. Collection method: clinical testing. Allele origin: unknown.

Labcorp Genetics (formerly Invitae), Labcorp
Classification: Pathogenic for Phenylketonuria. Last evaluated: 2023-06-23. Review status: criteria provided, single submitter. Criteria: Invitae Variant Classification Sherloc (09022015). Collection method: clinical testing. Allele origin: germline.
Comment: This sequence change replaces phenylalanine, which is neutral and non-polar, with serine, which is neutral and polar, at codon 331 of the PAH protein (p.Phe331Ser). This variant is present in population databases (no rsID available, gnomAD no frequency). This missense change has been observed in individual(s) with phenylketonuria (PMID: 23764561, 30747360, 32668217). ClinVar contains an entry for this variant (Variation ID: 371278). Advanced modeling of protein sequence and biophysical properties (such as structural, functional, and spatial information, amino acid conservation, physicochemical variation, residue mobility, and thermodynamic stability) performed at Invitae indicates that this missense variant is expected to disrupt PAH protein function. Experimental studies have shown that this missense change does not substantially affect PAH function (PMID: 28653649). This variant disrupts the p.Phe331 amino acid residue in PAH. Other variant(s) that disrupt this residue have been determined to be pathogenic (PMID: 8659548; Invitae). This suggests that this residue is clinically significant, and that variants that disrupt this residue are likely to be disease-causing. For these reasons, this variant has been classified as Pathogenic.

Juno Genomics, Hangzhou Juno Genomics, Inc
Classification: Likely pathogenic for Phenylketonuria. Review status: criteria provided, single submitter. Criteria: ACMG Guidelines, 2015. Collection method: clinical testing. Allele origin: germline. Affected: yes.
Comment: Well-established in vitro or in vivo functional studies supportive of a damaging effect on the gene or gene product.;For recessive disorders, detected in trans with a pathogenic variant.;Absent from controls (or at extremely low frequency if recessive) in Genome Aggregation Database, Exome Sequencing Project, 1000 Genomes Project, or Exome Aggregation Consortium.;Multiple lines of computational evidence support a deleterious effect on the gene or gene product (conservation, evolutionary, splicing impact, etc).

Counsyl
Classification: Likely pathogenic for Phenylketonuria. Last evaluated: 2016-08-18. Review status: no assertion criteria provided. Collection method: clinical testing. Allele origin: unknown. Not counted in ClinVar's aggregate classification.

Literature cited by the submitters: PubMed 32668217 (cited by Natera, Inc. and Labcorp Genetics (formerly Invitae), Labcorp); PubMed 23764561 (cited by Labcorp Genetics (formerly Invitae), Labcorp and Counsyl); PubMed 30747360 (cited by Labcorp Genetics (formerly Invitae), Labcorp); PubMed 28653649 (cited by Labcorp Genetics (formerly Invitae), Labcorp); PubMed 8659548 (cited by Labcorp Genetics (formerly Invitae), Labcorp); PubMed 26322415 (cited by Counsyl); PubMed 26503515 (cited by Counsyl); PubMed 24190797 (cited by Counsyl); PubMed 25894915 (cited by Counsyl).

NM_000277.3(PAH):c.992T>C (p.Phe331Ser)

Gene: PAH (phenylalanine hydroxylase; minus strand). Cytogenetic location: 12q23.2.
Variant type: single nucleotide variant.
Coding change: c.992T>C on transcript NM_000277.3 (MANE Select); coding-DNA position 992, T replaced by C.
Protein change: p.Phe331Ser; replaces phenylalanine 331 with serine.
Molecular consequence: missense variant.
Genome position (GRCh38, 1-based): chr12:102,844,409, A>G on the plus strand (T>C on the coding strand, the complement: PAH is on the minus strand). VCF-style: chr12-102844409-A-G. GRCh37 (hg19) VCF-style: chr12-103238187-A-G.
Other names: c.992T>C, p.Phe331Ser (NM_001354304.2); c.992T>C (NM_000277.2); short protein forms F331S.
Identifiers: ClinVar variation 371278 (VCV000371278.11), dbSNP rs199475614, ClinGen allele CA16020915.
Genomic context (GRCh38, chr12:102,844,409, plus strand): 5'-AAGGATGACAGGAGCCCAGCACCATATGCCTTTATGGAGTCTCCTTGTTTGCAGAGCCCA[A>G]ACTCCACAGTAAACCAGTAAATCTGGAATGGAAAGTCAATCTGAGAGCACACTCTATGAT-3'
Protein context (NP_000268.1, residues 321-341): LATIYWFTVE[Phe331Ser]GLCKQGDSIK